The following is an entry in ClinVar:

NM_000256.3(MYBPC3):c.225C>G (p.Asp75Glu)

Gene: MYBPC3 (myosin binding protein C3; minus strand). Cytogenetic location: 11p11.2.
Variant type: single nucleotide variant.
Coding change: c.225C>G on transcript NM_000256.3 (MANE Select); coding-DNA position 225, C replaced by G.
Protein change: p.Asp75Glu; replaces aspartic acid 75 with glutamic acid.
Molecular consequence: missense variant.
Genome position (GRCh38, 1-based): chr11:47,351,306, G>C on the plus strand (C>G on the coding strand, the complement: MYBPC3 is on the minus strand). VCF-style: chr11-47351306-G-C. GRCh37 (hg19) VCF-style: chr11-47372857-G-C.
Other names: short protein forms D75E.
Identifiers: ClinVar variation 1345723 (VCV001345723.7), dbSNP rs1395765226, ClinGen allele CA380341680.
Genomic context (GRCh38, chr11:47,351,306, plus strand): 5'-TATGACCTTGAGGTCGAACTTGACCTTGGAGGAGCCAGCAATGACTGCGTAAGATCCCTG[G>C]TCGGCAGGGCCCACTTCCCGCACTGTCAGCGTATGCCGTGTGCCCTCTGTGGCCAGGCCG-3'
Protein context (NP_000247.2, residues 65-85): TLTVREVGPA[Asp75Glu]QGSYAVIAGS

ClinVar aggregate classification (germline): Uncertain significance (1 of 4 stars; one submission).

Conditions:
Hypertrophic cardiomyopathy. Also called: HYPERTROPHIC MYOCARDIOPATHY. Identifiers: Orphanet 217569, MedGen C0007194, MeSH D002312, MONDO:0005045, HP:0001639.

Submission:

Labcorp Genetics (formerly Invitae), Labcorp
Classification: Uncertain significance for Hypertrophic cardiomyopathy. Last evaluated: 2024-02-13. Review status: criteria provided, single submitter. Criteria: Invitae Variant Classification Sherloc (09022015). Collection method: clinical testing. Allele origin: germline.
Comment: This sequence change replaces aspartic acid, which is acidic and polar, with glutamic acid, which is acidic and polar, at codon 75 of the MYBPC3 protein (p.Asp75Glu). This variant is not present in population databases (gnomAD no frequency). This missense change has been observed in individual(s) with hypertrophic cariomyopathy (PMID: 33012304). ClinVar contains an entry for this variant (Variation ID: 1345723). An algorithm developed to predict the effect of missense changes on protein structure and function (PolyPhen-2) suggests that this variant is likely to be disruptive. In summary, the available evidence is currently insufficient to determine the role of this variant in disease. Therefore, it has been classified as a Variant of Uncertain Significance.

Literature cited by the submitters: PubMed 33012304.